The following is an entry in ClinVar:

ClinVar aggregate classification (germline): Conflicting classifications of pathogenicity. Review status: criteria provided, conflicting classifications (1 of 4 stars). 4 submissions from 4 submitters: Uncertain significance (1); Benign (1); Likely benign (2). Last evaluated 2025-10-18.

Conditions:
Mitochondrial DNA depletion syndrome 13. Also called: Mitochondrial DNA depletion syndrome 13 (encephalomyopathic type); FBXL4-Related Encephalomyopathic Mitochondrial DNA Depletion Syndrome. Identifiers: Orphanet 369897, MedGen C3809592, MONDO:0014198, OMIM 615471.

Allele frequency attached by ClinVar (database versions not stated): TOPMed 0.00014; ESP Exome Variant Server 0.00031; gnomAD exomes 0.00033 and 0.00057; gnomAD 0.00041 and 0.00043; ExAC 0.00053.
gnomAD v4.1: 529 of 1,613,936 alleles (0.033%); highest among the groups gnomAD compares: Non-Finnish European, 0.016%; 2 homozygotes.

Submissions (4):

Labcorp Genetics (formerly Invitae), Labcorp
Classification: Benign. Last evaluated: 2025-10-18. Review status: criteria provided, single submitter. Criteria: Invitae Variant Classification Sherloc (09022015). Collection method: clinical testing. Allele origin: germline.

Blueprint Genetics
Classification: Likely benign. Last evaluated: 2024-11-19. Review status: criteria provided, single submitter. Criteria: ACMG Guidelines, 2015. Collection method: clinical testing. Allele origin: germline.

Wong Mito Lab, Molecular and Human Genetics, Baylor College of Medicine
Classification: Uncertain significance for Mitochondrial DNA depletion syndrome 13. Last evaluated: 2017-08-10. Review status: criteria provided, single submitter. Criteria: ACMG Guidelines, 2015. Collection method: reference population. Allele origin: germline.
Comment: The NM_012160.4:c.1251A>G (NP_036292.2:p.Gln417=) [GRCH38: NC_000006.12:g.98899334T>C] variant in FBXL4 gene is interpretated to be a Uncertain Significance - Insufficient Evidence based on ACMG guidelines (PMID: 25741868). This variant meets one or more of the following evidence codes reported in the ACMG-guideline. PM2:This variant is absent in key population databases. Based on this evidence code ClinGen Pathogenicity Calculator (PMID:28081714) suggested that the variant is Uncertain Significance - Insufficient Evidence.

GeneDx
Classification: Likely benign. Last evaluated: 2017-01-24. Review status: criteria provided, single submitter. Criteria: GeneDx Variant Classification (06012015). Collection method: clinical testing. Allele origin: germline. Affected: yes.
Comment: This variant is considered likely benign or benign based on one or more of the following criteria: it is a conservative change, it occurs at a poorly conserved position in the protein, it is predicted to be benign by multiple in silico algorithms, and/or has population frequency not consistent with disease.

NM_001278716.2(FBXL4):c.1251A>G (p.Gln417=)

Gene: FBXL4 (F-box and leucine rich repeat protein 4; minus strand). Cytogenetic location: 6q16.1.
Variant type: single nucleotide variant.
Coding change: c.1251A>G on transcript NM_001278716.2 (MANE Select); coding-DNA position 1251, A replaced by G.
Protein change: p.Gln417=; no amino-acid change (glutamine 417 retained).
Molecular consequence: synonymous variant. On other transcripts: non-coding transcript variant (2).
Genome position (GRCh38, 1-based): chr6:98,899,334, T>C on the plus strand (A>G on the coding strand, the complement: FBXL4 is on the minus strand). VCF-style: chr6-98899334-T-C. GRCh37 (hg19) VCF-style: chr6-99347210-T-C.
Other names: c.1251A>G, p.Gln417= (NM_012160.5).
Identifiers: ClinVar variation 437719 (VCV000437719.10), dbSNP rs151258576, ClinGen allele CA3933496.